The following is an entry in ClinVar:

ClinVar aggregate classification (germline): Uncertain significance (1 of 4 stars; one submission).

gnomAD v4.1: 1 of 1,613,908 alleles (0.000062%); highest among the groups gnomAD compares: Non-Finnish European, 0.000085%; no homozygotes.

Submission:

Dasa
Classification: Uncertain significance. Last evaluated: 2025-11-27. Review status: criteria provided, single submitter. Criteria: DASA Assertion Criteria. Collection method: clinical testing. Allele origin: germline.
Comment: NM_015335.5(MED13L):c.736G>A (p.Val246Met) is a missense variant that results in the substitution of valine with methionine. This variant is rare in population databases. The currently available literature and clinical evidence are not sufficient to establish a definitive association between this variant and the reported condition. Therefore, this variant is classified as a variant of uncertain significance.

NM_015335.5(MED13L):c.736G>A (p.Val246Met)

Gene: MED13L (mediator complex subunit 13L; minus strand). Cytogenetic location: 12q24.21.
Variant type: single nucleotide variant.
Coding change: c.736G>A on transcript NM_015335.5 (MANE Select); coding-DNA position 736, G replaced by A.
Protein change: p.Val246Met; replaces valine 246 with methionine.
Molecular consequence: missense variant.
Genome position (GRCh38, 1-based): chr12:116,019,862, C>T on the plus strand (G>A on the coding strand, the complement: MED13L is on the minus strand). VCF-style: chr12-116019862-C-T. GRCh37 (hg19) VCF-style: chr12-116457667-C-T.
Other names: short protein forms V246M.
Identifiers: ClinVar variation 4882764 (VCV004882764.2).